The following is an entry in ClinVar:

NM_030665.4(RAI1):c.4173C>T (p.Leu1391=)

Gene: RAI1 (retinoic acid induced 1; plus strand). Cytogenetic location: 17p11.2.
Variant type: single nucleotide variant.
Coding change: c.4173C>T on transcript NM_030665.4 (MANE Select); coding-DNA position 4173, C replaced by T.
Protein change: p.Leu1391=; no amino-acid change (leucine 1391 retained).
Molecular consequence: synonymous variant.
Genome position (GRCh38, 1-based): chr17:17,797,121, C>T. VCF-style: chr17-17797121-C-T. GRCh37 (hg19) VCF-style: chr17-17700435-C-T.
Other names: c.4173C>T (NM_030665.3).
Identifiers: ClinVar variation 1550961 (VCV001550961.9), dbSNP rs958580265, ClinGen allele CA288371022.
Genomic context (GRCh38, chr17:17,797,121, plus strand): 5'-TGGGGGCAGCCCAGTGGGGGTGGAAGAAGGCCTGGTAAATGTGGGCACCGGGCAGAAGCT[C>T]CCAACTTCTGGGGCTGATCCGTTATGCAGAAATCCAACCAACAGATCCTTAAAAGGCAAA-3'
Protein context (NP_109590.3, residues 1381-1401): GLVNVGTGQK[Leu1391=]PTSGADPLCR

ClinVar aggregate classification (germline): Likely benign. Review status: criteria provided, multiple submitters, no conflicts (2 of 4 stars). 2 submissions from 2 submitters: Likely benign (2). Last evaluated 2025-11-13.

Conditions:
RAI1-related disorder. Also called: RAI1-related condition.

Allele frequency attached by ClinVar (database versions not stated): gnomAD exomes below 0.00001; TOPMed 0.00006.
gnomAD v4.1: 3 of 1,614,032 alleles (0.00019%); highest among the groups gnomAD compares: African/African-American, 0.0027%; no homozygotes.

Submissions (2):

Labcorp Genetics (formerly Invitae), Labcorp
Classification: Likely benign. Last evaluated: 2025-11-13. Review status: criteria provided, single submitter. Criteria: Invitae Variant Classification Sherloc (09022015). Collection method: clinical testing. Allele origin: germline.

PreventionGenetics, part of Exact Sciences
Classification: Likely benign for RAI1-related condition. Last evaluated: 2025-07-30. Review status: criteria provided, single submitter. Criteria: ACMG Guidelines, 2015. Collection method: clinical testing. Allele origin: germline.
Comment: This variant is classified as likely benign based on ACMG/AMP sequence variant interpretation guidelines (Richards et al. 2015 PMID: 25741868, with internal and published modifications).